The following is an entry in ClinVar:

NM_002470.4(MYH3):c.5087C>G (p.Thr1696Arg)

Gene: MYH3 (myosin heavy chain 3; minus strand). Cytogenetic location: 17p13.1.
Variant type: single nucleotide variant.
Coding change: c.5087C>G on transcript NM_002470.4 (MANE Select); coding-DNA position 5087, C replaced by G.
Protein change: p.Thr1696Arg; replaces threonine 1696 with arginine.
Molecular consequence: missense variant.
Genome position (GRCh38, 1-based): chr17:10,631,886, G>C on the plus strand (C>G on the coding strand, the complement: MYH3 is on the minus strand). VCF-style: chr17-10631886-G-C. GRCh37 (hg19) VCF-style: chr17-10535203-G-C.
Other names: short protein forms T1696R.
Identifiers: ClinVar variation 2095267 (VCV002095267.4), dbSNP rs564468476, ClinGen allele CA398135233.

ClinVar aggregate classification (germline): Uncertain significance (1 of 4 stars; one submission).

gnomAD v4.1: 2 of 1,614,108 alleles (0.00012%); highest among the groups gnomAD compares: Admixed American, 0.0017%; no homozygotes.

Submission:

Labcorp Genetics (formerly Invitae), Labcorp
Classification: Uncertain significance. Last evaluated: 2026-01-05. Review status: criteria provided, single submitter. Criteria: Invitae Variant Classification Sherloc (09022015). Collection method: clinical testing. Allele origin: germline.
Comment: This sequence change replaces threonine, which is neutral and polar, with arginine, which is basic and polar, at codon 1696 of the MYH3 protein (p.Thr1696Arg). This variant is present in population databases (no rsID available, gnomAD 0.003%). This variant has not been reported in the literature in individuals affected with MYH3-related conditions. ClinVar contains an entry for this variant (Variation ID: 2095267). Invitae Evidence Modeling of protein sequence and biophysical properties (such as structural, functional, and spatial information, amino acid conservation, physicochemical variation, residue mobility, and thermodynamic stability) indicates that this missense variant is not expected to disrupt MYH3 protein function with a negative predictive value of 95%. In summary, the available evidence is currently insufficient to determine the role of this variant in disease. Therefore, it has been classified as a Variant of Uncertain Significance.